The following is an entry in ClinVar:

NM_001130823.3(DNMT1):c.4739G>A (p.Arg1580Gln)

Genes: DNMT1 (DNA methyltransferase 1; minus strand), LOC126862853 (CDK7 strongly-dependent group 2 enhancer GRCh37_chr19:10246117-10247316; plus strand). Cytogenetic location: 19p13.2.
Variant type: single nucleotide variant.
Coding change: c.4739G>A on transcript NM_001130823.3 (MANE Select); coding-DNA position 4739, G replaced by A.
Protein change: p.Arg1580Gln; replaces arginine 1580 with glutamine.
Molecular consequence: missense variant.
Genome position (GRCh38, 1-based): chr19:10,135,770, C>T on the plus strand (G>A on the coding strand, the complement: DNMT1 is on the minus strand). VCF-style: chr19-10135770-C-T. GRCh37 (hg19) VCF-style: chr19-10246446-C-T.
Other names: c.4739G>A (LRG_362t1); c.4700G>A, p.Arg1567Gln (NM_001318730.2); c.4376G>A, p.Arg1459Gln (NM_001318731.2); c.4691G>A, p.Arg1564Gln (NM_001379.4); short protein forms R1580Q, R1564Q, R1567Q, R1459Q.
Identifiers: ClinVar variation 576510 (VCV000576510.10), dbSNP rs1568218498, ClinGen allele CA403967993.

ClinVar aggregate classification (germline): Uncertain significance (1 of 4 stars; one submission).

Conditions:
Hereditary sensory neuropathy-deafness-dementia syndrome. Also called: Hereditary sensory neuropathy type IE; NEUROPATHY, HEREDITARY SENSORY, WITH HEARING LOSS AND DEMENTIA; HSN IE; Hereditary Sensory and Autonomic Neuropathy Type 1E (HSAN1E). Identifiers: Orphanet 456318, MedGen C3279885, MONDO:0013584, OMIM 614116.

Submission:

Labcorp Genetics (formerly Invitae), Labcorp
Classification: Uncertain significance for Hereditary sensory neuropathy-deafness-dementia syndrome. Last evaluated: 2018-08-02. Review status: criteria provided, single submitter. Criteria: Invitae Variant Classification Sherloc (09022015). Collection method: clinical testing. Allele origin: germline.
Comment: This variant is not present in population databases (ExAC no frequency). This sequence change replaces arginine with glutamine at codon 1580 of the DNMT1 protein (p.Arg1580Gln). The arginine residue is highly conserved and there is a small physicochemical difference between arginine and glutamine. This variant has not been reported in the literature in individuals with DNMT1-related disease. In summary, the available evidence is currently insufficient to determine the role of this variant in disease. Therefore, it has been classified as a Variant of Uncertain Significance. Algorithms developed to predict the effect of sequence changes on RNA splicing suggest that this variant may create or strengthen a splice site, but this prediction has not been confirmed by published transcriptional studies. Algorithms developed to predict the effect of missense changes on protein structure and function are either unavailable or do not agree on the potential impact of this missense change (SIFT: "Deleterious"; PolyPhen-2: "Possibly Damaging"; Align-GVGD: "Class C0").